The following is an entry in ClinVar:

NM_006073.4(TRDN):c.196G>A (p.Val66Ile)

Gene: TRDN (triadin; minus strand). Cytogenetic location: 6q22.31.
Variant type: single nucleotide variant.
Coding change: c.196G>A on transcript NM_006073.4 (MANE Select); coding-DNA position 196, G replaced by A.
Protein change: p.Val66Ile; replaces valine 66 with isoleucine.
Molecular consequence: missense variant.
Genome position (GRCh38, 1-based): chr6:123,570,959, C>T on the plus strand (G>A on the coding strand, the complement: TRDN is on the minus strand). VCF-style: chr6-123570959-C-T. GRCh37 (hg19) VCF-style: chr6-123892104-C-T.
Other names: c.196G>A, p.Val66Ile (NM_001251987.2, NM_001256020.2, NM_001256021.2 and 1 more transcripts); c.196G>A (NM_006073.2); short protein forms V66I.
Identifiers: ClinVar variation 463674 (VCV000463674.9), dbSNP rs372169818, ClinGen allele CA3984449.

ClinVar aggregate classification (germline): Uncertain significance. Review status: criteria provided, multiple submitters, no conflicts (2 of 4 stars). 3 submissions from 3 submitters: Uncertain significance (3). Last evaluated 2023-10-10.

Conditions:
Cardiovascular phenotype. Identifiers: MedGen CN230736.
Catecholaminergic polymorphic ventricular tachycardia 1. Also called: VENTRICULAR TACHYCARDIA, STRESS-INDUCED POLYMORPHIC 1; VENTRICULAR TACHYCARDIA, CATECHOLAMINERGIC POLYMORPHIC, 1, WITH OR WITHOUT ATRIAL DYSFUNCTION AND/OR DILATED CARDIOMYOPATHY; RYR2-Related Catecholaminergic Polymorphic Ventricular Tachycardia. Identifiers: Orphanet 3286, MedGen C1631597, MONDO:0011484, OMIM 604772.

Allele frequency attached by ClinVar (database versions not stated): TOPMed 0.00003; 1000 Genomes Project 30x 0.00016; 1000 Genomes Project 0.00020.
gnomAD v4.1: 83 of 1,613,846 alleles (0.0051%); highest among the groups gnomAD compares: South Asian, 0.057%; 3 homozygotes.

Submissions (3):

Ambry Genetics
Classification: Uncertain significance for Cardiovascular phenotype. Last evaluated: 2023-10-10. Review status: criteria provided, single submitter. Criteria: Ambry Variant Classification Scheme 2023. Collection method: clinical testing. Allele origin: germline.
Comment: The p.V66I variant (also known as c.196G>A), located in coding exon 2 of the TRDN gene, results from a G to A substitution at nucleotide position 196. The valine at codon 66 is replaced by isoleucine, an amino acid with highly similar properties. This amino acid position is conserved. In addition, this alteration is predicted to be tolerated by in silico analysis. Since supporting evidence is limited at this time, the clinical significance of this alteration remains unclear.

Women's Health and Genetics/Laboratory Corporation of America, LabCorp
Classification: Uncertain significance. Last evaluated: 2023-10-09. Review status: criteria provided, single submitter. Criteria: LabCorp Variant Classification Summary - May 2015. Collection method: clinical testing. Allele origin: germline.

Labcorp Genetics (formerly Invitae), Labcorp
Classification: Uncertain significance for Catecholaminergic polymorphic ventricular tachycardia 1. Last evaluated: 2022-08-06. Review status: criteria provided, single submitter. Criteria: Invitae Variant Classification Sherloc (09022015). Collection method: clinical testing. Allele origin: germline.
Comment: This sequence change replaces valine, which is neutral and non-polar, with isoleucine, which is neutral and non-polar, at codon 66 of the TRDN protein (p.Val66Ile). This variant is present in population databases (rs372169818, gnomAD 0.05%). This variant has not been reported in the literature in individuals affected with TRDN-related conditions. ClinVar contains an entry for this variant (Variation ID: 463674). Algorithms developed to predict the effect of missense changes on protein structure and function are either unavailable or do not agree on the potential impact of this missense change (SIFT: "Deleterious"; PolyPhen-2: "Possibly Damaging"; Align-GVGD: "Class C0"). In summary, the available evidence is currently insufficient to determine the role of this variant in disease. Therefore, it has been classified as a Variant of Uncertain Significance.